The following is an entry in ClinVar:

NM_001161403.3(LIMS2):c.445G>A (p.Glu149Lys)

Gene: LIMS2 (LIM zinc finger domain containing 2; minus strand). Cytogenetic location: 2q14.3.
Variant type: single nucleotide variant.
Coding change: c.445G>A on transcript NM_001161403.3 (MANE Select); coding-DNA position 445, G replaced by A.
Protein change: p.Glu149Lys; replaces glutamic acid 149 with lysine.
Molecular consequence: missense variant. On other transcripts: 5 prime UTR variant (1).
Genome position (GRCh38, 1-based): chr2:127,642,987, C>T on the plus strand (G>A on the coding strand, the complement: LIMS2 is on the minus strand). VCF-style: chr2-127642987-C-T. GRCh37 (hg19) VCF-style: chr2-128400562-C-T.
Other names: c.511G>A, p.Glu171Lys (NM_001136037.4); c.430G>A, p.Glu144Lys (NM_001161404.2); c.-12G>A (NM_001256542.2); c.517G>A, p.Glu173Lys (NM_017980.5); c.517G>A (NM_017980.4); c.511G>A (NM_001136037.3); short protein forms E144K, E149K, E171K, E173K.
Identifiers: ClinVar variation 967259 (VCV000967259.11), dbSNP rs148943578, ClinGen allele CA1863051.

ClinVar aggregate classification (germline): Uncertain significance. Review status: criteria provided, multiple submitters, no conflicts (2 of 4 stars). 3 submissions from 3 submitters: Uncertain significance (3). Last evaluated 2024-03-19.

Conditions:
Autosomal recessive limb-girdle muscular dystrophy type 2W (MDRCMTT). Also called: Muscular dystrophy, limb-girdle, type 2W; Muscular dystrophy, autosomal recessive, with cardiomyopathy and triangular tongue. Identifiers: MedGen C4225192, MONDO:0014788, OMIM 616827.

Allele frequency attached by ClinVar (database versions not stated): gnomAD exomes 0.00001; ExAC 0.00004; ESP Exome Variant Server 0.00008; gnomAD 0.00011 and 0.00013; TOPMed 0.00012.
gnomAD v4.1: 37 of 1,574,542 alleles (0.0023%); highest among the groups gnomAD compares: African/African-American, 0.039%; no homozygotes.

Submissions (3):

Ambry Genetics
Classification: Uncertain significance. Last evaluated: 2024-03-19. Review status: criteria provided, single submitter. Criteria: Ambry Variant Classification Scheme 2023. Collection method: clinical testing. Allele origin: germline.

Labcorp Genetics (formerly Invitae), Labcorp
Classification: Uncertain significance for Autosomal recessive limb-girdle muscular dystrophy type 2W. Last evaluated: 2023-10-19. Review status: criteria provided, single submitter. Criteria: Invitae Variant Classification Sherloc (09022015). Collection method: clinical testing. Allele origin: germline.
Comment: This sequence change replaces glutamic acid, which is acidic and polar, with lysine, which is basic and polar, at codon 171 of the LIMS2 protein (p.Glu171Lys). The frequency data for this variant in the population databases is considered unreliable, as metrics indicate poor data quality at this position in the gnomAD database. This variant has not been reported in the literature in individuals affected with LIMS2-related conditions. ClinVar contains an entry for this variant (Variation ID: 967259). Advanced modeling of protein sequence and biophysical properties (such as structural, functional, and spatial information, amino acid conservation, physicochemical variation, residue mobility, and thermodynamic stability) performed at Invitae indicates that this missense variant is not expected to disrupt LIMS2 protein function. In summary, the available evidence is currently insufficient to determine the role of this variant in disease. Therefore, it has been classified as a Variant of Uncertain Significance.

Revvity Omics, Revvity
Classification: Uncertain significance for Autosomal recessive limb-girdle muscular dystrophy type 2W. Last evaluated: 2021-06-02. Review status: criteria provided, single submitter. Criteria: ACMG Guidelines, 2015. Collection method: clinical testing. Allele origin: germline.